The following is an entry in ClinVar:

ClinVar aggregate classification (germline): Uncertain significance (1 of 4 stars; one submission).

Submission:

Greenwood Genetic Center Diagnostic Laboratories, Greenwood Genetic Center
Classification: Uncertain significance. Last evaluated: 2024-02-26. Review status: criteria provided, single submitter. Criteria: ACMG Guidelines, 2015. Collection method: clinical testing. Allele origin: germline. Affected: yes.
Comment: Gene of Uncertain Significance

NM_001003891.3(MED15):c.916C>T (p.Gln306Ter)

Gene: MED15 (mediator complex subunit 15; plus strand). Cytogenetic location: 22q11.21.
Variant type: single nucleotide variant.
Coding change: c.916C>T on transcript NM_001003891.3 (MANE Select); coding-DNA position 916, C replaced by T.
Protein change: p.Gln306Ter; replaces glutamine 306 with a stop codon.
Molecular consequence: nonsense.
Genome position (GRCh38, 1-based): chr22:20,566,692, C>T. VCF-style: chr22-20566692-C-T. GRCh37 (hg19) VCF-style: chr22-20920979-C-T.
Other names: c.916C>T, p.Gln306Ter (NM_001293234.2, NM_015889.5); c.838C>T, p.Gln280Ter (NM_001293235.2, NM_001293237.2); c.703C>T, p.Gln235Ter (NM_001293236.2); short protein forms Q235*, Q280*, Q306*.
Identifiers: ClinVar variation 3235715 (VCV003235715.1), dbSNP rs2517814656, ClinGen allele CA410739064.
Genomic context (GRCh38, chr22:20,566,692, plus strand): 5'-CTGCCCCAGCAGCTGCAGCAGATGCATCACACACAGCACCACCAGCCGCCACCACAGCCC[C>T]AGCAGCCTCCAGTTGCTCAGAACCAACCATCACAACTCCCGCCACAGTCGCAGACCCAGC-3'